The following is an entry in ClinVar:

ClinVar aggregate classification (germline): Uncertain significance (1 of 4 stars; one submission).

gnomAD v4.1: 6 of 1,613,938 alleles (0.00037%); highest among the groups gnomAD compares: African/African-American, 0.0013%; no homozygotes.

Submission:

Women's Health and Genetics/Laboratory Corporation of America, LabCorp
Classification: Uncertain significance. Last evaluated: 2025-07-28. Review status: criteria provided, single submitter. Criteria: LabCorp Variant Classification Summary - May 2015. Collection method: clinical testing. Allele origin: germline.
Comment: Variant summary: POU1F1 c.592G>A (p.Glu198Lys) results in a conservative amino acid change in the encoded protein sequence. Algorithms developed to predict the effect of missense changes on protein structure and function are either unavailable or do not agree on the potential impact of this missense change. The variant allele was found at a frequency of 4e-06 in 251036 control chromosomes (gnomAD). The available data on variant occurrences in the general population are insufficient to allow any conclusion about variant significance. To our knowledge, no occurrence of c.592G>A in individuals affected with &phenotype& and no experimental evidence demonstrating its impact on protein function have been reported. No submitters have cited clinical-significance assessments for this variant to ClinVar. Based on the evidence outlined above, the variant was classified as uncertain significance.

NM_000306.4(POU1F1):c.592G>A (p.Glu198Lys)

Gene: POU1F1 (POU class 1 homeobox 1; minus strand). Cytogenetic location: 3p11.2.
Variant type: single nucleotide variant.
Coding change: c.592G>A on transcript NM_000306.4 (MANE Select); coding-DNA position 592, G replaced by A.
Protein change: p.Glu198Lys; replaces glutamic acid 198 with lysine.
Molecular consequence: missense variant.
Genome position (GRCh38, 1-based): chr3:87,262,083, C>T on the plus strand (G>A on the coding strand, the complement: POU1F1 is on the minus strand). VCF-style: chr3-87262083-C-T. GRCh37 (hg19) VCF-style: chr3-87311233-C-T.
Other names: c.670G>A, p.Glu224Lys (NM_001122757.3); short protein forms E198K, E224K.
Identifiers: ClinVar variation 4526176 (VCV004526176.1).
Genomic context (GRCh38, chr3:87,262,083, plus strand): 5'-ATTTTTAGGTTAAAACACAGCACAGCCTTCAGAGACACAATTTAGTACCTCCTACTTGCT[C>T]AGCTTCCTCCAGCCATTTGGATAATATTGCTTTCAGTTTGCATGCATTTTTAAAGCTGAG-3'
Protein context (NP_000297.1, residues 188-208): AILSKWLEEA[Glu198Lys]QVGALYNEKV